The following is an entry in ClinVar:

ClinVar aggregate classification (germline): Conflicting classifications of pathogenicity. Review status: criteria provided, conflicting classifications (1 of 4 stars). 2 submissions from 2 submitters: Uncertain significance (1); Likely benign (1). Last evaluated 2020-05-27.

Allele frequency attached by ClinVar (database versions not stated): TOPMed 0.00002; gnomAD 0.00003 and 0.00004.
gnomAD v4.1: 5 of 1,548,698 alleles (0.00032%); highest among the groups gnomAD compares: Non-Finnish European, 0.00044%; no homozygotes.

Submissions (2):

ARUP Laboratories, Molecular Genetics and Genomics, ARUP Laboratories
Classification: Uncertain significance. Last evaluated: 2020-05-27. Review status: criteria provided, single submitter. Criteria: ARUP Molecular Germline Variant Investigation Process. Collection method: clinical testing. Allele origin: germline.
Comment: The TTN c.31070A>G; p.His10357Arg variant (rs1343660563; ClinVar Variation ID: 668294) is rare in the general population (<1% allele frequency in the Genome Aggregation Database) and has not been reported in the medical literature in association with dilated cardiomyopathy (DCM) or other TTN-related disease. The clinical relevance of rare missense variants in this gene, which are identified on average once per individual sequenced in affected populations (Herman 2012), is not well understood. Yet, evidence suggests that the vast majority of such missense variants do not contribute to the clinical outcome of DCM (Begay 2015). Thus, the clinical significance of the p.His10357Arg variant cannot be determined with certainty. References: Begay RL et al. Role of Titin Missense Variants in Dilated Cardiomyopathy. J Am Heart Assoc. 2015 Nov 13;4(11). Herman DS et al. Truncations of titin causing dilated cardiomyopathy. N Engl J Med. 2012 Feb 16;366(7):619-28. Linke WA and Hamdani N. Gigantic business: titin properties and function through thick and thin. Circ Res 2014; 114(6): 1052-1068.

GeneDx
Classification: Likely benign. Last evaluated: 2018-05-11. Review status: criteria provided, single submitter. Criteria: GeneDx Variant Classification (06012015). Collection method: clinical testing. Allele origin: germline. Affected: yes.
Comment: This variant is considered likely benign or benign based on one or more of the following criteria: it is a conservative change, it occurs at a poorly conserved position in the protein, it is predicted to be benign by multiple in silico algorithms, and/or has population frequency not consistent with disease.

NM_001267550.2(TTN):c.31070A>G (p.His10357Arg)

Gene: TTN (titin; minus strand). Cytogenetic location: 2q31.2.
Variant type: single nucleotide variant.
Coding change: c.31070A>G on transcript NM_001267550.2 (MANE Select); coding-DNA position 31070, A replaced by G.
Protein change: p.His10357Arg; replaces histidine 10357 with arginine.
Molecular consequence: missense variant. On other transcripts: intron variant (3).
Genome position (GRCh38, 1-based): chr2:178,696,002, T>C on the plus strand (A>G on the coding strand, the complement: TTN is on the minus strand). VCF-style: chr2-178696002-T-C. GRCh37 (hg19) VCF-style: chr2-179560729-T-C.
Other names: c.27338A>G, p.His9113Arg (NM_133378.4); c.13282+42080A>G (NM_003319.4); c.13858+42080A>G (NM_133437.4); c.13657+42080A>G (NM_133432.3); c.30119A>G, p.His10040Arg (NM_001256850.1); short protein forms H10357R, H10040R, H9113R.
Identifiers: ClinVar variation 668294 (VCV000668294.10), dbSNP rs1343660563, ClinGen allele CA349565591.